The following is an entry in ClinVar:

ClinVar aggregate classification (germline): Uncertain significance (1 of 4 stars; one submission).

Conditions:
KBG syndrome (KBGS). Also called: ANKRD11-Related KBG Syndrome. Identifiers: Orphanet 2332, MedGen C0220687, MONDO:0007846, OMIM 148050.

gnomAD v4.1: 8 of 1,614,130 alleles (0.0005%); highest among the groups gnomAD compares: Non-Finnish European, 0.00068%; no homozygotes.

Submission:

Victorian Clinical Genetics Services, Murdoch Childrens Research Institute
Classification: Uncertain significance for KBG syndrome. Last evaluated: 2021-05-06. Review status: criteria provided, single submitter. Criteria: ACMG Guidelines, 2015. Collection method: clinical testing. Allele origin: germline. Inheritance: Autosomal dominant inheritance.
Comment: Based on the classification scheme VCGS_Germline_v1.3.4, this variant is classified as VUS-3C. Following criteria are met: 0102 - Loss of function is a known mechanism of disease in this gene and is associated with KBG syndrome (MIM#148050). (I) 0107 - This gene is associated with autosomal dominant disease. (I) 0200 - Variant is predicted to result in a missense amino acid change from asparagine to isoleucine. (I) 0251 - This variant is heterozygous. (I) 0301 - Variant is absent from gnomAD (both v2 and v3). (SP) 0309 - An alternative amino acid change at the same position has been observed in gnomAD (v2) (1 heterozygote, 0 homozygotes). (I) 0503 - Missense variant consistently predicted to be tolerated by multiple in silico tools or not conserved in placental mammals with a minor amino acid change. (SB) 0604 - Variant is not located in an established domain, motif, hotspot or informative constraint region. (I) 0705 - No comparable missense variants have previous evidence for pathogenicity. (I) 0807 - This variant has no previous evidence of pathogenicity. (I) 0905 - No published segregation evidence has been identified for this variant. (I) 1007 - No published functional evidence has been identified for this variant. (I) Legend: (SP) - Supporting pathogenic, (I) - Information, (SB) - Supporting benign

NM_013275.6(ANKRD11):c.2462A>T (p.Asn821Ile)

Gene: ANKRD11 (ankyrin repeat domain 11; minus strand). Cytogenetic location: 16q24.3.
Variant type: single nucleotide variant.
Coding change: c.2462A>T on transcript NM_013275.6 (MANE Select); coding-DNA position 2462, A replaced by T.
Protein change: p.Asn821Ile; replaces asparagine 821 with isoleucine.
Molecular consequence: missense variant.
Genome position (GRCh38, 1-based): chr16:89,284,080, T>A on the plus strand (A>T on the coding strand, the complement: ANKRD11 is on the minus strand). VCF-style: chr16-89284080-T-A. GRCh37 (hg19) VCF-style: chr16-89350488-T-A.
Other names: c.2462A>T, p.Asn821Ile (NM_001256182.2, NM_001256183.2); short protein forms N821I.
Identifiers: ClinVar variation 1806163 (VCV001806163.1), dbSNP rs1002460120, ClinGen allele CA397162352.